The following is an entry in ClinVar:

ClinVar aggregate classification (germline): Uncertain significance. Review status: criteria provided, multiple submitters, no conflicts (2 of 4 stars). 2 submissions from 2 submitters: Uncertain significance (2). Last evaluated 2025-12-29.

Conditions:
Inborn genetic diseases. Identifiers: MedGen C0950123, MeSH D030342.
Baller-Gerold syndrome (BGS). Also called: CRANIOSYNOSTOSIS WITH RADIAL DEFECTS. Identifiers: Orphanet 1225, MedGen C0265308, MONDO:0009039, OMIM 218600.

Allele frequency attached by ClinVar (database versions not stated): TOPMed below 0.00001.

Submissions (2):

Ambry Genetics
Classification: Uncertain significance for Inborn genetic diseases. Last evaluated: 2025-12-29. Review status: criteria provided, single submitter. Criteria: Ambry Variant Classification Scheme 2023. Collection method: clinical testing. Allele origin: germline.
Comment: The p.S178P variant (also known as c.532T>C), located in coding exon 5 of the RECQL4 gene, results from a T to C substitution at nucleotide position 532. The serine at codon 178 is replaced by proline, an amino acid with similar properties. This amino acid position is conserved. In addition, this alteration is predicted to be tolerated by in silico analysis. Based on the available evidence, the clinical significance of this variant remains unclear.

Labcorp Genetics (formerly Invitae), Labcorp
Classification: Uncertain significance for Baller-Gerold syndrome. Last evaluated: 2017-10-10. Review status: criteria provided, single submitter. Criteria: Invitae Variant Classification Sherloc (09022015). Collection method: clinical testing. Allele origin: germline.
Comment: This sequence change replaces serine with proline at codon 178 of the RECQL4 protein (p.Ser178Pro). The serine residue is highly conserved and there is a moderate physicochemical difference between serine and proline. This variant is not present in population databases (ExAC no frequency). In summary, the available evidence is currently insufficient to determine the role of this variant in disease. Therefore, it has been classified as a Variant of Uncertain Significance. Algorithms developed to predict the effect of missense changes on protein structure and function do not agree on the potential impact of this missense change (SIFT: "Tolerated"; PolyPhen-2: "Probably Damaging"; Align-GVGD: "Class C0"). This variant has not been reported in the literature in individuals with RECQL4-related disease.

NM_004260.4(RECQL4):c.532T>C (p.Ser178Pro)

Gene: RECQL4 (RecQ like helicase 4; minus strand). Cytogenetic location: 8q24.3.
Variant type: single nucleotide variant.
Coding change: c.532T>C on transcript NM_004260.4 (MANE Select); coding-DNA position 532, T replaced by C.
Protein change: p.Ser178Pro; replaces serine 178 with proline.
Molecular consequence: missense variant.
Genome position (GRCh38, 1-based): chr8:144,516,587, A>G on the plus strand (T>C on the coding strand, the complement: RECQL4 is on the minus strand). VCF-style: chr8-144516587-A-G. GRCh37 (hg19) VCF-style: chr8-145741971-A-G.
Other names: short protein forms S178P.
Identifiers: ClinVar variation 529031 (VCV000529031.5), dbSNP rs1294313948, ClinGen allele CA372691123.